The following is an entry in ClinVar:

NM_000062.3(SERPING1):c.860T>C (p.Leu287Pro)

Gene: SERPING1 (serpin family G member 1; plus strand). Cytogenetic location: 11q12.1.
Variant type: single nucleotide variant.
Coding change: c.860T>C on transcript NM_000062.3 (MANE Select); coding-DNA position 860, T replaced by C.
Protein change: p.Leu287Pro; replaces leucine 287 with proline.
Molecular consequence: missense variant.
Genome position (GRCh38, 1-based): chr11:57,606,184, T>C. VCF-style: chr11-57606184-T-C. GRCh37 (hg19) VCF-style: chr11-57373657-T-C.
Other names: c.860T>C, p.Leu287Pro (NM_001032295.2); short protein forms L287P.
Identifiers: ClinVar variation 3338002 (VCV003338002.3).

ClinVar aggregate classification (germline): Conflicting classifications of pathogenicity. Review status: criteria provided, conflicting classifications (1 of 4 stars). 2 submissions from 2 submitters: Pathogenic (1); Uncertain significance (1). Last evaluated 2024-08-16.

Conditions:
Hereditary angioedema type 1 (HAE1). Identifiers: Orphanet 100050, Orphanet 100051, Orphanet 91378, MedGen C2717906, MONDO:0015053, OMIM 106100.

Submissions (2):

DNA-diagnostics Laboratory, Research Centre For Medical Genetics
Classification: Pathogenic for Hereditary angioedema type 1. Last evaluated: 2024-08-16. Review status: criteria provided, single submitter. Criteria: ACMG Guidelines, 2015. Collection method: research. Allele origin: germline. Inheritance: Autosomal dominant inheritance. Affected: yes. Observed: 2 variant alleles, 2 heterozygotes. Clinical features observed: Angioedema (HP:0100665), C1 esterase inhibitor deficiency.
Comment: The pathogenic or likely pathogenic SERPING1 gene variants are detected in >90% of the HAE1/2 families and in >80% of the total HAE families (e.g., DOI: 10.1016/j.molimm.2008.05.007, 10.1159/2F000138883, 10.1016/j.molimm.2011.07.010). The same variant has previously been reported at least in 1 HAE1 case without a family HAE history (DOI: 10.1016/j.gene.2018.05.029, 10.2478/rrlm-2019-0029). Such in silico algorithms as BayesDel, MutPred, REVEL support a deleterious effect of the c.860T>C variant with Moderate evidence of pathogenicity, when choosing at least two identical assessments and using the threshold ranges from ClinGen recommendations (DOI: 10.1016/j.ajhg.2022.10.013). In summary, the c.860T>C variant in SERPING1 meets ACMG/ClinGen SVI guidance criteria to be classified as pathogenic: PP4_Str, PP3_Mod, PS4_Sup, PM2_Sup, PP1, PP2

Blueprint Genetics
Classification: Uncertain significance. Last evaluated: 2021-03-20. Review status: criteria provided, single submitter. Criteria: ACMG Guidelines, 2015. Collection method: clinical testing. Allele origin: germline.

Literature cited by the submitters: DOI 10.1016/j.gene.2018.05.029 (cited by DNA-diagnostics Laboratory, Research Centre For Medical Genetics); DOI 10.2478/rrlm-2019-0029 (cited by DNA-diagnostics Laboratory, Research Centre For Medical Genetics).